The following is an entry in ClinVar:

NM_014028.4(OSTM1):c.491C>T (p.Thr164Ile)

Gene: OSTM1 (osteoclastogenesis associated transmembrane protein 1; minus strand). Cytogenetic location: 6q21.
Variant type: single nucleotide variant.
Coding change: c.491C>T on transcript NM_014028.4 (MANE Select); coding-DNA position 491, C replaced by T.
Protein change: p.Thr164Ile; replaces threonine 164 with isoleucine.
Molecular consequence: missense variant.
Genome position (GRCh38, 1-based): chr6:108,064,211, G>A on the plus strand (C>T on the coding strand, the complement: OSTM1 is on the minus strand). VCF-style: chr6-108064211-G-A. GRCh37 (hg19) VCF-style: chr6-108385415-G-A.
Other names: short protein forms T164I.
Identifiers: ClinVar variation 1468302 (VCV001468302.3), dbSNP rs773343389, ClinGen allele CA3948049.

ClinVar aggregate classification (germline): Uncertain significance (1 of 4 stars; one submission).

Allele frequency attached by ClinVar (database versions not stated): TOPMed 0.00001; ExAC 0.00002; gnomAD 0.00002; gnomAD exomes 0.00001.
gnomAD v4.1: 12 of 1,591,378 alleles (0.00075%); highest among the groups gnomAD compares: Admixed American, 0.005%; no homozygotes.

Submission:

Labcorp Genetics (formerly Invitae), Labcorp
Classification: Uncertain significance. Last evaluated: 2022-08-09. Review status: criteria provided, single submitter. Criteria: Invitae Variant Classification Sherloc (09022015). Collection method: clinical testing. Allele origin: germline.
Comment: This sequence change replaces threonine, which is neutral and polar, with isoleucine, which is neutral and non-polar, at codon 164 of the OSTM1 protein (p.Thr164Ile). This variant is present in population databases (rs773343389, gnomAD 0.003%). This variant has not been reported in the literature in individuals affected with OSTM1-related conditions. ClinVar contains an entry for this variant (Variation ID: 1468302). Algorithms developed to predict the effect of missense changes on protein structure and function (SIFT, PolyPhen-2, Align-GVGD) all suggest that this variant is likely to be tolerated. In summary, the available evidence is currently insufficient to determine the role of this variant in disease. Therefore, it has been classified as a Variant of Uncertain Significance.